The following is an entry in ClinVar:

ClinVar aggregate classification (germline): Likely benign (1 of 4 stars; one submission).

Submission:

CeGaT Center for Human Genetics Tuebingen
Classification: Likely benign. Last evaluated: 2026-04-01. Review status: criteria provided, single submitter. Criteria: CeGaT Center For Human Genetics Tuebingen Variant Classification Criteria Version 2. Collection method: clinical testing. Allele origin: germline. Affected: yes. Observed: 1 variant allele.
Comment: H4C4: BP4, BP7

NM_003539.4(H4C4):c.213C>T (p.Val71=)

Gene: H4C4 (H4 clustered histone 4; minus strand). Cytogenetic location: 6p22.2.
Variant type: single nucleotide variant.
Coding change: c.213C>T on transcript NM_003539.4 (MANE Select); coding-DNA position 213, C replaced by T.
Protein change: p.Val71=; no amino-acid change (valine 71 retained).
Molecular consequence: synonymous variant.
Genome position (GRCh38, 1-based): chr6:26,188,864, G>A on the plus strand (C>T on the coding strand, the complement: H4C4 is on the minus strand). VCF-style: chr6-26188864-G-A. GRCh37 (hg19) VCF-style: chr6-26189092-G-A.
Identifiers: ClinVar variation 4873400 (VCV004873400.2).